The following is an entry in ClinVar:

NM_152383.5(DIS3L2):c.2295T>C (p.Ser765=)

Gene: DIS3L2 (DIS3 like 3'-5' exoribonuclease 2; plus strand). Cytogenetic location: 2q37.1.
Variant type: single nucleotide variant.
Coding change: c.2295T>C on transcript NM_152383.5 (MANE Select); coding-DNA position 2295, T replaced by C.
Protein change: p.Ser765=; no amino-acid change (serine 765 retained).
Molecular consequence: synonymous variant. On other transcripts: non-coding transcript variant (2), intron variant (1).
Genome position (GRCh38, 1-based): chr2:232,334,636, T>C. VCF-style: chr2-232334636-T-C. GRCh37 (hg19) VCF-style: chr2-233199346-T-C.
Other names: c.1582-8709T>C (NM_001257281.2).
Identifiers: ClinVar variation 241973 (VCV000241973.41), dbSNP rs763103187, ClinGen allele CA2164496.

ClinVar aggregate classification (germline): Likely benign. Review status: criteria provided, multiple submitters, no conflicts (2 of 4 stars). 5 submissions from 5 submitters: Likely benign (5). Last evaluated 2026-07-01.

Conditions:
Perlman syndrome (PRLMNS). Identifiers: Orphanet 2849, MedGen C0796113, MONDO:0009965, OMIM 267000.

Allele frequency attached by ClinVar (database versions not stated): gnomAD 0.00265; ExAC 0.00757.

Submissions (5):

CeGaT Center for Human Genetics Tuebingen
Classification: Likely benign. Last evaluated: 2026-07-01. Review status: criteria provided, single submitter. Criteria: CeGaT Center For Human Genetics Tuebingen Variant Classification Criteria Version 2. Collection method: clinical testing. Allele origin: germline. Affected: yes. Observed: 11 variant alleles.
Comment: DIS3L2: BP4, BP7, BS1

Labcorp Genetics (formerly Invitae), Labcorp
Classification: Likely benign for Perlman syndrome. Last evaluated: 2026-01-26. Review status: criteria provided, single submitter. Criteria: Invitae Variant Classification Sherloc (09022015). Collection method: clinical testing. Allele origin: germline.

Blueprint Genetics
Classification: Likely benign. Last evaluated: 2024-11-22. Review status: criteria provided, single submitter. Criteria: ACMG Guidelines, 2015. Collection method: clinical testing. Allele origin: germline.

GeneDx
Classification: Likely benign. Last evaluated: 2019-05-30. Review status: criteria provided, single submitter. Criteria: GeneDx Variant Classification Process June 2021. Collection method: clinical testing. Allele origin: germline. Affected: yes.

Breakthrough Genomics
Classification: Likely benign. Review status: criteria provided, single submitter. Criteria: ACMG Guidelines, 2015. Collection method: not provided. Allele origin: germline. Inheritance: Autosomal recessive inheritance. Affected: yes.